The following is an entry in ClinVar:

ClinVar aggregate classification (germline): Conflicting classifications of pathogenicity. Review status: criteria provided, conflicting classifications (1 of 4 stars). 14 submissions from 13 submitters: Uncertain significance (10); Benign (1); Likely benign (1). 2 of the submissions do not count toward it. Last evaluated 2025-12-22.

Conditions:
Hereditary cancer-predisposing syndrome. Also called: Tumor predisposition; Neoplastic Syndromes, Hereditary; Hereditary neoplastic syndrome; Hereditary Cancer Syndrome. Identifiers: Orphanet 140162, MedGen C0027672, MeSH D009386, MONDO:0015356.
Hereditary breast ovarian cancer syndrome. Also called: Hereditary breast and ovarian cancer; Hereditary breast and ovarian cancer syndrome (HBOC); Hereditary breast and/or ovarian cancer syndrome; Breast and ovarian cancer; Hereditary breast and ovarian cancer syndrome; BRCA1- and BRCA2-Associated Hereditary Breast and Ovarian Cancer. Identifiers: Orphanet 145, MedGen C0677776, MeSH D061325, MONDO:0003582. Disease mechanism: loss of function.
Breast-ovarian cancer, familial, susceptibility to, 2 (BROVCA2). Also called: BRCA2 Hereditary Breast and Ovarian Cancer. Identifiers: Orphanet 145, MedGen C2675520, MONDO:0012933, OMIM 612555. Disease mechanism: loss of function.
Fanconi anemia complementation group D1. Also called: BRCA2-Related Fanconi Anemia. Identifiers: Orphanet 319462, MedGen C1838457, MONDO:0011584, OMIM 605724.

Allele frequency attached by ClinVar (database versions not stated): gnomAD below 0.00001 and 0.00002; TOPMed 0.00001; gnomAD exomes 0.00003 and 0.00004; ExAC 0.00004.
gnomAD v4.1: 50 of 1,613,998 alleles (0.0031%); highest among the groups gnomAD compares: South Asian, 0.048%; no homozygotes.

Submissions 1 to 8 of 14:

Labcorp Genetics (formerly Invitae), Labcorp
Classification: Uncertain significance for Hereditary breast ovarian cancer syndrome. Last evaluated: 2025-12-22. Review status: criteria provided, single submitter. Criteria: Invitae Variant Classification Sherloc (09022015). Collection method: clinical testing. Allele origin: germline.
Comment: This sequence change replaces glutamic acid, which is acidic and polar, with glycine, which is neutral and non-polar, at codon 747 of the BRCA2 protein (p.Glu747Gly). This variant is present in population databases (rs397507283, gnomAD 0.03%). This missense change has been observed in individual(s) with breast and/or ovarian cancer (PMID: 32658311, 32846166, 33552952). ClinVar contains an entry for this variant (Variation ID: 37778). Invitae Evidence Modeling of protein sequence and biophysical properties (such as structural, functional, and spatial information, amino acid conservation, physicochemical variation, residue mobility, and thermodynamic stability) indicates that this missense variant is not expected to disrupt BRCA2 protein function with a negative predictive value of 95%. Experimental studies have shown that this missense change does not substantially affect BRCA2 function (PMID: 32444794). In summary, the available evidence is currently insufficient to determine the role of this variant in disease. Therefore, it has been classified as a Variant of Uncertain Significance.

Women's Health and Genetics/Laboratory Corporation of America, LabCorp
Classification: Uncertain significance. Last evaluated: 2025-07-07. Review status: criteria provided, single submitter. Criteria: LabCorp Variant Classification Summary - May 2015. Collection method: clinical testing. Allele origin: germline.
Comment: Variant summary: BRCA2 c.2240A>G (p.Glu747Gly) results in a non-conservative amino acid change in the encoded protein sequence. Algorithms developed to predict the effect of missense changes on protein structure and function are either unavailable or do not agree on the potential impact of this missense change. The variant allele was found at a frequency of 3.6e-05 in 251276 control chromosomes. The available data on variant occurrences in the general population are insufficient to allow any conclusion about variant significance. c.2240A>G has been observed in individual(s) affected with Hereditary Breast And Ovarian Cancer Syndrome, without strong evidence for causality (Yildiz_2020, Akcay_2020, Kadri_2021). These report(s) do not provide unequivocal conclusions about association of the variant with Hereditary Breast And Ovarian Cancer Syndrome. To our knowledge, no experimental evidence demonstrating an impact on protein function has been reported. The following publications have been ascertained in the context of this evaluation (PMID: 32846166, 33552952, 32658311). ClinVar contains an entry for this variant (Variation ID: 37778). Based on the evidence outlined above, the variant was classified as uncertain significance.

GeneDx
Classification: Uncertain significance. Last evaluated: 2024-07-08. Review status: criteria provided, single submitter. Criteria: GeneDx Variant Classification Process June 2021. Collection method: clinical testing. Allele origin: germline. Affected: yes.
Comment: Observed in individuals with a personal history of breast and/or ovarian cancer (PMID: 33552952); Published functional studies demonstrated cell viability similar to wild-type when exposed to various PARP inhibitors (PMID: 32444794); In silico analysis supports that this missense variant has a deleterious effect on protein structure/function; Also known as 2468A>G; This variant is associated with the following publications: (PMID: 25722345, 32846166, 29884841, 31853058, 33552952, 32444794)

Color Diagnostics, LLC DBA Color Health
Classification: Uncertain significance for Hereditary cancer-predisposing syndrome. Last evaluated: 2024-06-03. Review status: criteria provided, single submitter. Criteria: ACMG Guidelines, 2015. Collection method: clinical testing. Allele origin: germline.
Comment: This missense variant replaces glutamic acid with glycine at codon 747 of the BRCA2 protein. Computational prediction suggests that this variant may not impact protein structure and function. A functional study has reported that this variant does not impact BRCA2 function in the rescue of sensitivity to poly(ADP)-ribose polymerase inhibitors in BRCA2-deficient cells (PMID: 32444794). This variant has been reported in individuals affected with breast cancer (PMID: 32846166, 33552952, 37725154). This variant has been identified in 9/251276 chromosomes in the general population by the Genome Aggregation Database (gnomAD). The available evidence is insufficient to determine the role of this variant in disease conclusively. Therefore, this variant is classified as a Variant of Uncertain Significance.

All of Us Research Program, National Institutes of Health
Classification: Uncertain significance for Breast-ovarian cancer, familial, susceptibility to, 2. Last evaluated: 2023-12-01. Review status: criteria provided, single submitter. Criteria: ACMG Guidelines, 2015. Collection method: clinical testing. Allele origin: germline. Inheritance: Autosomal dominant inheritance. Observed: 4 variant alleles, 4 heterozygotes.
Comment: This missense variant replaces glutamic acid with glycine at codon 747 of the BRCA2 protein. Computational prediction suggests that this variant may not impact protein structure and function (internally defined REVEL score threshold <= 0.5, PMID: 27666373). A functional study has shown that the variant has neutral impact on sensitivity to PARP inhibitors (PMID: 32444794). This variant has been reported in 2 individuals affected with breast cancer (PMID: 32846166, 33552952). This variant has been identified in 9/251276 chromosomes in the general population by the Genome Aggregation Database (gnomAD). The available evidence is insufficient to determine the role of this variant in disease conclusively. Therefore, this variant is classified as a Variant of Uncertain Significance.

This study involves interpretation of variants in research participants for the purpose of population health screening. Participant phenotype was not available at the time of variant classification. Additional details can be found in publication PMID: 35346344, PMCID: PMC8962531

Quest Diagnostics Nichols Institute San Juan Capistrano
Classification: Uncertain significance. Last evaluated: 2023-09-21. Review status: criteria provided, single submitter. Criteria: Quest Diagnostics criteria. Collection method: clinical testing. Allele origin: unknown.
Comment: In the published literature, this variant has been reported in individuals affected with breast and/or ovarian cancer (PMIDs: 33552952 (2020), 32846166 (2020)). Functional studies have shown that the variant results in normal sensitivity to PARP inhibitors (PMID: 32444794 (2020)), however further research is needed to understand the global impact of the variant on protein function. The frequency of this variant in the general population, 0.00029 (9/30612 chromosomes (Genome Aggregation Database)), is uninformative in the assessment of its pathogenicity. Analysis of this variant using bioinformatics tools for the prediction of the effect of amino acid changes on protein structure and function yielded predictions that this variant is benign. Based on the available information, we are unable to determine the clinical significance of this variant.

University of Washington Department of Laboratory Medicine, University of Washington
Classification: Likely benign for Hereditary cancer-predisposing syndrome. Last evaluated: 2023-03-23. Review status: criteria provided, single submitter. Criteria: Dines et al. (Genet Med. 2020). Collection method: curation. Allele origin: germline.
Comment: Missense variant in a coldspot region where missense variants are very unlikely to be pathogenic (PMID:31911673).

BRCA2 exon 11 coldspot. Reclassification based on statistical prior probability.

National Health Laboratory Service, Universitas Academic Hospital and University of the Free State
Classification: Uncertain significance for Hereditary breast ovarian cancer syndrome. Last evaluated: 2022-04-19. Review status: criteria provided, single submitter. Criteria: ACMG Guidelines, 2015. Collection method: clinical testing. Allele origin: germline. Affected: yes. Observed: 1 variant allele.

NM_000059.4(BRCA2):c.2240A>G (p.Glu747Gly)

Gene: BRCA2 (BRCA2 DNA repair associated; plus strand). Cytogenetic location: 13q13.1.
Variant type: single nucleotide variant.
Coding change: c.2240A>G on transcript NM_000059.4 (MANE Select); coding-DNA position 2240, A replaced by G.
Protein change: p.Glu747Gly; replaces glutamic acid 747 with glycine.
Molecular consequence: missense variant.
Genome position (GRCh38, 1-based): chr13:32,336,595, A>G. VCF-style: chr13-32336595-A-G. GRCh37 (hg19) VCF-style: chr13-32910732-A-G.
Other names: NP_000050.3:p.Glu747Gly; short protein forms E747G.
Identifiers: ClinVar variation 37778 (VCV000037778.35), dbSNP rs397507283, ClinGen allele CA014722.
Genomic context (GRCh38, chr13:32,336,595, plus strand): 5'-CAGATATAAAAGAAGAGGTCTTGGCTGCAGCATGTCACCCAGTACAACATTCAAAAGTGG[A>G]ATACAGTGATACTGACTTTCAATCCCAGAAAAGTCTTTTATATGATCATGAAAATGCCAG-3'
Protein context (NP_000050.3, residues 737-757): ACHPVQHSKV[Glu747Gly]YSDTDFQSQK